The following is an entry in ClinVar:

ClinVar aggregate classification (germline): Uncertain significance (1 of 4 stars; one submission).

Submission:

GeneDx
Classification: Uncertain significance. Last evaluated: 2019-04-26. Review status: criteria provided, single submitter. Criteria: GeneDx Variant Classification Process June 2021. Collection method: clinical testing. Allele origin: germline. Affected: yes.
Comment: Has not been previously published as pathogenic or benign to our knowledge; Nonsense variant predicted to result in protein truncation or nonsense mediated decay in a gene for which loss-of-function is not a known mechanism of disease; Not observed in large population cohorts (Lek et al., 2016); Variants in candidate genes are classified as variants of uncertain significance in accordance with ACMG guidelines (Richards et al., 2015)

NM_020791.4(TAOK1):c.2041C>T (p.Gln681Ter)

Gene: TAOK1 (TAO kinase 1; plus strand). Cytogenetic location: 17q11.2.
Variant type: single nucleotide variant.
Coding change: c.2041C>T on transcript NM_020791.4 (MANE Select); coding-DNA position 2041, C replaced by T.
Protein change: p.Gln681Ter; replaces glutamine 681 with a stop codon.
Molecular consequence: nonsense. On other transcripts: intron variant (1).
Genome position (GRCh38, 1-based): chr17:29,522,412, C>T. VCF-style: chr17-29522412-C-T. GRCh37 (hg19) VCF-style: chr17-27849430-C-T.
Other names: c.1705-7995C>T (NM_025142.1); short protein forms Q681*.
Identifiers: ClinVar variation 1305273 (VCV001305273.2), dbSNP rs2150767538, ClinGen allele CA398911254.